The following is an entry in ClinVar:

ClinVar aggregate classification (germline): Benign (0 of 4 stars; one submission).

Conditions:
NCOR2-related disorder. Also called: NCOR2-related condition.

Allele frequency attached by ClinVar (database versions not stated): gnomAD exomes 0.00232; ExAC 0.01589; ESP Exome Variant Server 0.01931; gnomAD 0.02133; TOPMed 0.02382; 1000 Genomes Project 0.02396; 1000 Genomes Project 30x 0.02592.
gnomAD v4.1: 6,677 of 1,530,236 alleles (0.44%); highest among the groups gnomAD compares: African/African-American, 7.5%; 226 homozygotes.

Submission:

PreventionGenetics, part of Exact Sciences
Classification: Benign for NCOR2-related condition. Last evaluated: 2019-06-17. Review status: no assertion criteria provided. Collection method: clinical testing. Allele origin: germline.
Comment: This variant is classified as benign based on ACMG/AMP sequence variant interpretation guidelines (Richards et al. 2015 PMID: 25741868, with internal and published modifications).

NM_006312.6(NCOR2):c.5709C>T (p.Pro1903=)

Gene: NCOR2 (nuclear receptor corepressor 2; minus strand). Cytogenetic location: 12q24.31.
Variant type: single nucleotide variant.
Coding change: c.5709C>T on transcript NM_006312.6 (MANE Select); coding-DNA position 5709, C replaced by T.
Protein change: p.Pro1903=; no amino-acid change (proline 1903 retained).
Molecular consequence: synonymous variant.
Genome position (GRCh38, 1-based): chr12:124,337,159, G>A on the plus strand (C>T on the coding strand, the complement: NCOR2 is on the minus strand). VCF-style: chr12-124337159-G-A. GRCh37 (hg19) VCF-style: chr12-124821705-G-A.
Other names: c.5679C>T, p.Pro1893= (NM_001077261.4, NM_001206654.2).
Identifiers: ClinVar variation 3043941 (VCV003043941.2), dbSNP rs3741512, ClinGen allele CA6867765.